The following is an entry in ClinVar:

ClinVar aggregate classification (germline): Likely benign (0 of 4 stars; one submission).

Conditions:
CIZ1-related disorder. Also called: CIZ1-related condition.

Allele frequency attached by ClinVar (database versions not stated): TOPMed below 0.00001; gnomAD 0.00001.
gnomAD v4.1: 4 of 1,614,020 alleles (0.00025%); highest among the groups gnomAD compares: African/African-American, 0.004%; no homozygotes.

Submission:

PreventionGenetics, part of Exact Sciences
Classification: Likely benign for CIZ1-related condition. Last evaluated: 2019-09-17. Review status: no assertion criteria provided. Collection method: clinical testing. Allele origin: germline.
Comment: This variant is classified as likely benign based on ACMG/AMP sequence variant interpretation guidelines (Richards et al. 2015 PMID: 25741868, with internal and published modifications).

NM_001131016.2(CIZ1):c.945C>T (p.Val315=)

Gene: CIZ1 (CDKN1A interacting zinc finger protein 1; minus strand). Cytogenetic location: 9q34.11.
Variant type: single nucleotide variant.
Coding change: c.945C>T on transcript NM_001131016.2 (MANE Select); coding-DNA position 945, C replaced by T.
Protein change: p.Val315=; no amino-acid change (valine 315 retained).
Molecular consequence: synonymous variant.
Genome position (GRCh38, 1-based): chr9:128,179,262, G>A on the plus strand (C>T on the coding strand, the complement: CIZ1 is on the minus strand). VCF-style: chr9-128179262-G-A. GRCh37 (hg19) VCF-style: chr9-130941541-G-A.
Other names: c.945C>T, p.Val315= (NM_001131015.2, NM_012127.3); c.930C>T, p.Val310= (NM_001131017.2); c.873C>T, p.Val291= (NM_001131018.2); c.1035C>T, p.Val345= (NM_001257975.2); c.642C>T, p.Val214= (NM_001257976.2).
Identifiers: ClinVar variation 3040746 (VCV003040746.2), dbSNP rs1426201227, ClinGen allele CA467286355.